The following is an entry in ClinVar:

NM_001114753.3(ENG):c.956T>G (p.Leu319Arg)

Gene: ENG (endoglin; minus strand). Cytogenetic location: 9q34.11.
Variant type: single nucleotide variant.
Coding change: c.956T>G on transcript NM_001114753.3 (MANE Select); coding-DNA position 956, T replaced by G.
Protein change: p.Leu319Arg; replaces leucine 319 with arginine.
Molecular consequence: missense variant.
Genome position (GRCh38, 1-based): chr9:127,824,835, A>C on the plus strand (T>G on the coding strand, the complement: ENG is on the minus strand). VCF-style: chr9-127824835-A-C. GRCh37 (hg19) VCF-style: chr9-130587114-A-C.
Other names: c.956T>G, p.Leu319Arg (NM_000118.4, NM_001406715.1); c.410T>G, p.Leu137Arg (NM_001278138.2); short protein forms L137R, L319R.
Identifiers: ClinVar variation 1718273 (VCV001718273.6), dbSNP rs2539072741, ClinGen allele CA374982072.

ClinVar aggregate classification (germline): Uncertain significance (1 of 4 stars; one submission).

Conditions:
Hereditary hemorrhagic telangiectasia (HHT). Also called: ORW DISEASE; Osler Weber Rendu syndrome; OSLER-RENDU-WEBER DISEASE; Osler hemorrhagic telangiectasia syndrome. Identifiers: Orphanet 774, MedGen C0039445, MONDO:0019180. Disease mechanism: loss of function.

Submission:

Labcorp Genetics (formerly Invitae), Labcorp
Classification: Uncertain significance for Hereditary hemorrhagic telangiectasia. Last evaluated: 2022-08-17. Review status: criteria provided, single submitter. Criteria: Invitae Variant Classification Sherloc (09022015). Collection method: clinical testing. Allele origin: germline.
Comment: This sequence change replaces leucine, which is neutral and non-polar, with arginine, which is basic and polar, at codon 319 of the ENG protein (p.Leu319Arg). This variant is not present in population databases (gnomAD no frequency). This variant has not been reported in the literature in individuals affected with ENG-related conditions. Advanced modeling of protein sequence and biophysical properties (such as structural, functional, and spatial information, amino acid conservation, physicochemical variation, residue mobility, and thermodynamic stability) performed at Invitae indicates that this missense variant is expected to disrupt ENG protein function. In summary, the available evidence is currently insufficient to determine the role of this variant in disease. Therefore, it has been classified as a Variant of Uncertain Significance.